The following is an entry in ClinVar:

ClinVar aggregate classification (germline): Uncertain significance (1 of 4 stars; one submission).

Conditions:
Majeed syndrome (MJDS). Also called: CHRONIC RECURRENT MULTIFOCAL OSTEOMYELITIS 1, WITH CONGENITAL DYSERYTHROPOIETIC ANEMIA, WITH OR WITHOUT NEUTROPHILIC DERMATOSIS; LPIN2-Related Majeed Syndrome. Identifiers: Orphanet 77297, MedGen C1864997, MONDO:0012316, OMIM 609628.

Submission:

Labcorp Genetics (formerly Invitae), Labcorp
Classification: Uncertain significance for Majeed syndrome. Last evaluated: 2021-11-01. Review status: criteria provided, single submitter. Criteria: Invitae Variant Classification Sherloc (09022015). Collection method: clinical testing. Allele origin: germline.
Comment: In summary, the available evidence is currently insufficient to determine the role of this variant in disease. Therefore, it has been classified as a Variant of Uncertain Significance. Algorithms developed to predict the effect of missense changes on protein structure and function are either unavailable or do not agree on the potential impact of this missense change (SIFT: "Tolerated"; PolyPhen-2: "Probably Damaging"; Align-GVGD: "Class C0"). This variant has not been reported in the literature in individuals affected with LPIN2-related conditions. This variant is not present in population databases (gnomAD no frequency). This sequence change replaces asparagine, which is neutral and polar, with serine, which is neutral and polar, at codon 516 of the LPIN2 protein (p.Asn516Ser).

NM_001375808.2(LPIN2):c.1547A>G (p.Asn516Ser)

Gene: LPIN2 (lipin 2; minus strand). Cytogenetic location: 18p11.31.
Variant type: single nucleotide variant.
Coding change: c.1547A>G on transcript NM_001375808.2 (MANE Select); coding-DNA position 1547, A replaced by G.
Protein change: p.Asn516Ser; replaces asparagine 516 with serine.
Molecular consequence: missense variant.
Genome position (GRCh38, 1-based): chr18:2,929,068, T>C on the plus strand (A>G on the coding strand, the complement: LPIN2 is on the minus strand). VCF-style: chr18-2929068-T-C. GRCh37 (hg19) VCF-style: chr18-2929066-T-C.
Other names: c.1547A>G, p.Asn516Ser (NM_001375809.1, NM_014646.2); short protein forms N516S.
Identifiers: ClinVar variation 1390636 (VCV001390636.6), dbSNP rs2144150580, ClinGen allele CA401703918.